The following is an entry in ClinVar:

ClinVar aggregate classification (germline): Uncertain significance (1 of 4 stars; one submission).

Submission:

Labcorp Genetics (formerly Invitae), Labcorp
Classification: Uncertain significance. Last evaluated: 2021-08-17. Review status: criteria provided, single submitter. Criteria: Invitae Variant Classification Sherloc (09022015). Collection method: clinical testing. Allele origin: germline.
Comment: This sequence change replaces arginine with leucine at codon 54 of the USH1G protein (p.Arg54Leu). The arginine residue is highly conserved and there is a moderate physicochemical difference between arginine and leucine. This variant is not present in population databases (ExAC no frequency). This variant has not been reported in the literature in individuals affected with USH1G-related conditions. Algorithms developed to predict the effect of missense changes on protein structure and function are either unavailable or do not agree on the potential impact of this missense change (SIFT: "Not Available"; PolyPhen-2: "Probably Damaging"; Align-GVGD: "Not Available"). In summary, the available evidence is currently insufficient to determine the role of this variant in disease. Therefore, it has been classified as a Variant of Uncertain Significance.

NM_173477.5(USH1G):c.161G>T (p.Arg54Leu)

Gene: USH1G (USH1 protein network component sans; minus strand). Cytogenetic location: 17q25.1.
Variant type: single nucleotide variant.
Coding change: c.161G>T on transcript NM_173477.5 (MANE Select); coding-DNA position 161, G replaced by T.
Protein change: p.Arg54Leu; replaces arginine 54 with leucine.
Molecular consequence: missense variant. On other transcripts: 5 prime UTR variant (1).
Genome position (GRCh38, 1-based): chr17:74,922,913, C>A on the plus strand (G>T on the coding strand, the complement: USH1G is on the minus strand). VCF-style: chr17-74922913-C-A. GRCh37 (hg19) VCF-style: chr17-72919008-C-A.
Other names: c.-96G>T (NM_001282489.3); short protein forms R54L.
Identifiers: ClinVar variation 1411884 (VCV001411884.6), dbSNP rs1273443942, ClinGen allele CA400967785.